The following is an entry in ClinVar:

ClinVar aggregate classification (germline): Uncertain significance. Review status: criteria provided, multiple submitters, no conflicts (2 of 4 stars). 3 submissions from 3 submitters: Uncertain significance (3). Last evaluated 2022-03-21.

Conditions:
Febrile seizures, familial, 11 (FEB11). Also called: CONVULSIONS, FAMILIAL FEBRILE, 11. Identifiers: MedGen C3280734, MONDO:0024566, OMIM 614418.
Familial temporal lobe epilepsy 5. Identifiers: MedGen C3280730, MONDO:0013741, OMIM 614417.

Allele frequency attached by ClinVar (database versions not stated): ExAC 0.00001; gnomAD exomes 0.00001; TOPMed 0.00002.
gnomAD v4.1: 5 of 1,614,086 alleles (0.00031%); highest among the groups gnomAD compares: Admixed American, 0.005%; no homozygotes.

Submissions (3):

Ambry Genetics
Classification: Uncertain significance. Last evaluated: 2022-03-21. Review status: criteria provided, single submitter. Criteria: Ambry Variant Classification Scheme 2023. Collection method: clinical testing. Allele origin: germline.

Labcorp Genetics (formerly Invitae), Labcorp
Classification: Uncertain significance for Febrile seizures, familial, 11. Last evaluated: 2021-01-14. Review status: criteria provided, single submitter. Criteria: Invitae Variant Classification Sherloc (09022015). Collection method: clinical testing. Allele origin: germline.
Comment: In summary, the available evidence is currently insufficient to determine the role of this variant in disease. Therefore, it has been classified as a Variant of Uncertain Significance. This sequence change replaces methionine with valine at codon 430 of the CPA6 protein (p.Met430Val). The methionine residue is moderately conserved and there is a small physicochemical difference between methionine and valine. This variant is present in population databases (rs774898194, ExAC 0.009%). Algorithms developed to predict the effect of sequence changes on RNA splicing suggest that this variant may create or strengthen a splice site, but this prediction has not been confirmed by published transcriptional studies. Algorithms developed to predict the effect of missense changes on protein structure and function (SIFT, PolyPhen-2, Align-GVGD) all suggest that this variant is likely to be tolerated, but these predictions have not been confirmed by published functional studies and their clinical significance is uncertain. This variant has not been reported in the literature in individuals with CPA6-related conditions. ClinVar contains an entry for this variant (Variation ID: 363599).

Illumina Laboratory Services, Illumina
Classification: Uncertain significance for Familial temporal lobe epilepsy 5. Last evaluated: 2018-01-12. Review status: criteria provided, single submitter. Criteria: ICSL Variant Classification Criteria 13 December 2019. Collection method: clinical testing. Allele origin: germline.

NM_020361.5(CPA6):c.1288A>G (p.Met430Val)

Genes: ARFGEF1-DT (ARFGEF1 divergent transcript; plus strand), CPA6 (carboxypeptidase A6; minus strand). Cytogenetic location: 8q13.2.
Variant type: single nucleotide variant.
Coding change: c.1288A>G on transcript NM_020361.5 (MANE Select); coding-DNA position 1288, A replaced by G.
Protein change: p.Met430Val; replaces methionine 430 with valine.
Molecular consequence: missense variant.
Genome position (GRCh38, 1-based): chr8:67,422,530, T>C on the plus strand (A>G on the coding strand, the complement: CPA6 is on the minus strand). VCF-style: chr8-67422530-T-C. GRCh37 (hg19) VCF-style: chr8-68334765-T-C.
Other names: short protein forms M430V.
Identifiers: ClinVar variation 363599 (VCV000363599.14), dbSNP rs774898194, ClinGen allele CA4772645.